The following is an entry in ClinVar:

NM_004320.6(ATP2A1):c.898G>A (p.Val300Met)

Gene: ATP2A1 (ATPase sarcoplasmic/endoplasmic reticulum Ca2+ transporting 1; plus strand). Cytogenetic location: 16p11.2.
Variant type: single nucleotide variant.
Coding change: c.898G>A on transcript NM_004320.6 (MANE Select); coding-DNA position 898, G replaced by A.
Protein change: p.Val300Met; replaces valine 300 with methionine.
Molecular consequence: missense variant.
Genome position (GRCh38, 1-based): chr16:28,887,692, G>A. VCF-style: chr16-28887692-G-A. GRCh37 (hg19) VCF-style: chr16-28899013-G-A.
Other names: c.523G>A, p.Val175Met (NM_001286075.2); c.898G>A, p.Val300Met (NM_173201.5); short protein forms V175M, V300M.
Identifiers: ClinVar variation 1478334 (VCV001478334.8), dbSNP rs1401049227, ClinGen allele CA395404200.

ClinVar aggregate classification (germline): Uncertain significance (1 of 4 stars; one submission).

Conditions:
Brody myopathy. Also called: BRODY DISEASE. Identifiers: Orphanet 53347, MedGen C1832918, MONDO:0010977, OMIM 601003.

Allele frequency attached by ClinVar (database versions not stated): gnomAD exomes below 0.00001 and 0.00001; TOPMed 0.00001.
gnomAD v4.1: 8 of 1,614,048 alleles (0.0005%); highest among the groups gnomAD compares: East Asian, 0.0022%; no homozygotes.

Submission:

Labcorp Genetics (formerly Invitae), Labcorp
Classification: Uncertain significance for Brody myopathy. Last evaluated: 2025-06-16. Review status: criteria provided, single submitter. Criteria: Invitae Variant Classification Sherloc (09022015). Collection method: clinical testing. Allele origin: germline.
Comment: This sequence change replaces valine, which is neutral and non-polar, with methionine, which is neutral and non-polar, at codon 300 of the ATP2A1 protein (p.Val300Met). This variant is present in population databases (no rsID available, gnomAD 0.0009%). This variant has not been reported in the literature in individuals affected with ATP2A1-related conditions. ClinVar contains an entry for this variant (Variation ID: 1478334). An algorithm developed to predict the effect of missense changes on protein structure and function (PolyPhen-2) suggests that this variant is likely to be disruptive. In summary, the available evidence is currently insufficient to determine the role of this variant in disease. Therefore, it has been classified as a Variant of Uncertain Significance.